The following is an entry in ClinVar:

NM_000051.4(ATM):c.3056T>C (p.Leu1019Pro)

Gene: ATM (ATM serine/threonine kinase; plus strand). Cytogenetic location: 11q22.3.
Variant type: single nucleotide variant.
Coding change: c.3056T>C on transcript NM_000051.4 (MANE Select); coding-DNA position 3056, T replaced by C.
Protein change: p.Leu1019Pro; replaces leucine 1019 with proline.
Molecular consequence: missense variant.
Genome position (GRCh38, 1-based): chr11:108,271,385, T>C. VCF-style: chr11-108271385-T-C. GRCh37 (hg19) VCF-style: chr11-108142112-T-C.
Other names: c.3056T>C, p.Leu1019Pro (NM_001351834.2); short protein forms L1019P.
Identifiers: ClinVar variation 3641814 (VCV003641814.2).

ClinVar aggregate classification (germline): Uncertain significance (1 of 4 stars; one submission).

Conditions:
Ataxia-telangiectasia syndrome (AT). Also called: ATAXIA-TELANGIECTASIA, COMPLEMENTATION GROUP A; ATAXIA-TELANGIECTASIA, FRESNO VARIANT; LOUIS-BAR SYNDROME; Ataxia-telangiectasia, complementation group D; Ataxia-telangiectasia, complementation group E; Cerebello-oculocutaneous telangiectasia. Identifiers: Orphanet 100, MedGen C0004135, MONDO:0008840, OMIM 208900.

Submission:

Labcorp Genetics (formerly Invitae), Labcorp
Classification: Uncertain significance for Ataxia-telangiectasia syndrome. Last evaluated: 2024-02-22. Review status: criteria provided, single submitter. Criteria: Invitae Variant Classification Sherloc (09022015). Collection method: clinical testing. Allele origin: germline.
Comment: This sequence change replaces leucine, which is neutral and non-polar, with proline, which is neutral and non-polar, at codon 1019 of the ATM protein (p.Leu1019Pro). This variant is not present in population databases (gnomAD no frequency). This variant has not been reported in the literature in individuals affected with ATM-related conditions. An algorithm developed to predict the effect of missense changes on protein structure and function (PolyPhen-2) suggests that this variant is likely to be disruptive. In summary, the available evidence is currently insufficient to determine the role of this variant in disease. Therefore, it has been classified as a Variant of Uncertain Significance.